The following is an entry in ClinVar:

NM_004341.5(CAD):c.696C>T (p.Val232=)

Gene: CAD (carbamoyl-phosphate synthetase 2, aspartate transcarbamylase, and dihydroorotase; plus strand). Cytogenetic location: 2p23.3.
Variant type: single nucleotide variant.
Coding change: c.696C>T on transcript NM_004341.5 (MANE Select); coding-DNA position 696, C replaced by T.
Protein change: p.Val232=; no amino-acid change (valine 232 retained).
Molecular consequence: synonymous variant.
Genome position (GRCh38, 1-based): chr2:27,222,924, C>T. VCF-style: chr2-27222924-C-T. GRCh37 (hg19) VCF-style: chr2-27445792-C-T.
Other names: c.696C>T, p.Val232= (NM_001306079.2).
Identifiers: ClinVar variation 74550 (VCV000074550.32), dbSNP rs267599313, ClinGen allele CA1572501.

ClinVar aggregate classification (germline): Likely benign. Review status: criteria provided, multiple submitters, no conflicts (2 of 4 stars). 2 submissions from 2 submitters: Likely benign (2). Last evaluated 2026-01-25.

Allele frequency attached by ClinVar (database versions not stated): ESP Exome Variant Server 0.00031; gnomAD 0.00034 and 0.00074; gnomAD exomes 0.00045; ExAC 0.00047; TOPMed 0.00077.
gnomAD v4.1: 752 of 1,613,868 alleles (0.047%); highest among the groups gnomAD compares: Non-Finnish European, 0.055%; 3 homozygotes.

Submissions (2):

Labcorp Genetics (formerly Invitae), Labcorp
Classification: Likely benign. Last evaluated: 2026-01-25. Review status: criteria provided, single submitter. Criteria: Invitae Variant Classification Sherloc (09022015). Collection method: clinical testing. Allele origin: germline.

CeGaT Center for Human Genetics Tuebingen
Classification: Likely benign. Last evaluated: 2024-10-01. Review status: criteria provided, single submitter. Criteria: CeGaT Center For Human Genetics Tuebingen Variant Classification Criteria Version 2. Collection method: clinical testing. Allele origin: germline. Affected: yes. Observed: 2 variant alleles.
Comment: CAD: BP4, BP7